The following is an entry in ClinVar:

ClinVar aggregate classification (germline): Likely benign (0 of 4 stars; one submission).

Conditions:
WHRN-related disorder. Also called: WHRN-related condition.

Submission:

PreventionGenetics, part of Exact Sciences
Classification: Likely benign for WHRN-related condition. Last evaluated: 2019-03-08. Review status: no assertion criteria provided. Collection method: clinical testing. Allele origin: germline.
Comment: This variant is classified as likely benign based on ACMG/AMP sequence variant interpretation guidelines (Richards et al. 2015 PMID: 25741868, with internal and published modifications).

NM_015404.4(WHRN):c.1416+7C>A

Gene: WHRN (whirlin; minus strand). Cytogenetic location: 9q32.
Variant type: single nucleotide variant.
Coding change: c.1416+7C>A on transcript NM_015404.4 (MANE Select); 7 bases into the intron after coding-DNA position 1416, C replaced by A.
Molecular consequence: intron variant.
Genome position (GRCh38, 1-based): chr9:114,424,327, G>T on the plus strand (C>A on the coding strand, the complement: WHRN is on the minus strand). VCF-style: chr9-114424327-G-T. GRCh37 (hg19) VCF-style: chr9-117186607-G-T.
Other names: c.1416+7C>A (NM_001173425.2); c.267+7C>A (NM_001083885.3); c.363+7C>A (NM_001346890.1).
Identifiers: ClinVar variation 3352871 (VCV003352871.1).